The following is an entry in ClinVar:

ClinVar aggregate classification (germline): Benign. Review status: criteria provided, multiple submitters, no conflicts (2 of 4 stars). 2 submissions from 2 submitters: Benign (2). Last evaluated 2018-06-14.

Allele frequency attached by ClinVar (database versions not stated): 1000 Genomes Project 0.13538; TOPMed 0.15413; gnomAD 0.14137; 1000 Genomes Project 30x 0.14288.

Submissions (2):

GeneDx
Classification: Benign. Last evaluated: 2018-06-14. Review status: criteria provided, single submitter. Criteria: GeneDx Variant Classification (06012015). Collection method: clinical testing. Allele origin: germline. Affected: yes.
Comment: This variant is considered likely benign or benign based on one or more of the following criteria: it is a conservative change, it occurs at a poorly conserved position in the protein, it is predicted to be benign by multiple in silico algorithms, and/or has population frequency not consistent with disease.

Breakthrough Genomics
Classification: Benign. Review status: criteria provided, single submitter. Criteria: ACMG Guidelines, 2015. Collection method: not provided. Allele origin: germline. Inheritance: Autosomal recessive inheritance. Affected: yes.

NM_001083961.2(WDR62):c.177+177C>G

Gene: WDR62 (WD repeat domain 62; plus strand). Cytogenetic location: 19q13.12.
Variant type: single nucleotide variant.
Coding change: c.177+177C>G on transcript NM_001083961.2 (MANE Select); 177 bases into the intron after coding-DNA position 177, C replaced by G.
Molecular consequence: intron variant.
Genome position (GRCh38, 1-based): chr19:36,055,325, C>G. VCF-style: chr19-36055325-C-G. GRCh37 (hg19) VCF-style: chr19-36546227-C-G.
Other names: c.177+177C>G (NM_173636.5).
Identifiers: ClinVar variation 670275 (VCV000670275.2), dbSNP rs6510515, ClinGen allele CA14727323.
Genomic context (GRCh38, chr19:36,055,325, plus strand): 5'-CTGCCATGCCTCGTCCCCTAACCCCCGCCCCTTTAGCCACGGCCCCTCCCACTTTCTCCT[C>G]GCTGCTTTCCCGGCTCCACCCTCAGCGTTGGAGCAATTCGGGGGTTCCTCGCTGGTTCCC-3'